The following is an entry in ClinVar:

ClinVar aggregate classification (germline): Likely benign. Review status: criteria provided, single submitter (1 of 4 stars). 2 submissions from 2 submitters: Likely benign (1). 1 of the submissions does not count toward it. Last evaluated 2026-01-01.

Conditions:
ADAMTS17-related disorder. Also called: ADAMTS17-related condition.

Allele frequency attached by ClinVar (database versions not stated): gnomAD 0.00003; TOPMed 0.00003; ExAC 0.00004; gnomAD exomes 0.00004.
gnomAD v4.1: 70 of 1,613,544 alleles (0.0043%); highest among the groups gnomAD compares: African/African-American, 0.0027%; no homozygotes.

Submissions (2):

Labcorp Genetics (formerly Invitae), Labcorp
Classification: Likely benign. Last evaluated: 2026-01-01. Review status: criteria provided, single submitter. Criteria: Invitae Variant Classification Sherloc (09022015). Collection method: clinical testing. Allele origin: germline.

PreventionGenetics, part of Exact Sciences
Classification: Likely benign for ADAMTS17-related condition. Last evaluated: 2019-04-12. Review status: no assertion criteria provided. Collection method: clinical testing. Allele origin: germline. Not counted in ClinVar's aggregate classification.
Comment: This variant is classified as likely benign based on ACMG/AMP sequence variant interpretation guidelines (Richards et al. 2015 PMID: 25741868, with internal and published modifications).

NM_139057.4(ADAMTS17):c.2670C>T (p.Tyr890=)

Gene: ADAMTS17 (ADAM metallopeptidase with thrombospondin type 1 motif 17; minus strand). Cytogenetic location: 15q26.3.
Variant type: single nucleotide variant.
Coding change: c.2670C>T on transcript NM_139057.4 (MANE Select); coding-DNA position 2670, C replaced by T.
Protein change: p.Tyr890=; no amino-acid change (tyrosine 890 retained).
Molecular consequence: synonymous variant.
Genome position (GRCh38, 1-based): chr15:99,997,511, G>A on the plus strand (C>T on the coding strand, the complement: ADAMTS17 is on the minus strand). VCF-style: chr15-99997511-G-A. GRCh37 (hg19) VCF-style: chr15-100537716-G-A.
Other names: c.2670C>T (NM_139057.3).
Identifiers: ClinVar variation 1911746 (VCV001911746.7), dbSNP rs763500860, ClinGen allele CA7757627.
Genomic context (GRCh38, chr15:99,997,511, plus strand): 5'-CGGCCGGGGGCCCGGGCAGTAGAGGGGCCGCGTAGCGACGTGTGTGCCGTTCTGCAGCTG[G>A]TACACGCAGGTCACCTCCCGGTGCTGGAAGCCTTTCTCACAGGTCGCCGAGCAGGGGCTC-3'
Protein context (NP_620688.2, residues 880-900): GFQHREVTCV[Tyr890=]QLQNGTHVAT